The following is an entry in ClinVar:

ClinVar aggregate classification (germline): Conflicting classifications of pathogenicity. Review status: criteria provided, conflicting classifications (1 of 4 stars). 3 submissions from 3 submitters: Uncertain significance (1); Likely benign (2). Last evaluated 2024-11-15.

Conditions:
Hereditary cancer-predisposing syndrome. Also called: Tumor predisposition; Hereditary neoplastic syndrome; Neoplastic Syndromes, Hereditary; Hereditary Cancer Syndrome. Identifiers: Orphanet 140162, MedGen C0027672, MeSH D009386, MONDO:0015356.
Familial cancer of breast. Also called: Hereditary breast cancer; BREAST CANCER, FAMILIAL; hereditary breast carcinoma. Identifiers: Orphanet 227535, MedGen C0346153, MONDO:0016419, OMIM 114480. Disease mechanism: loss of function.
Ataxia-telangiectasia syndrome (AT). Also called: Ataxia-telangiectasia, complementation group D; AT, COMPLEMENTATION GROUP C; ATAXIA-TELANGIECTASIA, COMPLEMENTATION GROUP A; ATAXIA-TELANGIECTASIA, FRESNO VARIANT; Ataxia-telangiectasia; LOUIS-BAR SYNDROME. Identifiers: Orphanet 100, MedGen C0004135, MONDO:0008840, OMIM 208900.

Submissions (3):

Labcorp Genetics (formerly Invitae), Labcorp
Classification: Likely benign for Ataxia-telangiectasia syndrome. Last evaluated: 2024-11-15. Review status: criteria provided, single submitter. Criteria: Invitae Variant Classification Sherloc (09022015). Collection method: clinical testing. Allele origin: germline.

Myriad Genetics, Inc.
Classification: Likely benign for Familial cancer of breast. Last evaluated: 2024-06-21. Review status: criteria provided, single submitter. Criteria: Myriad Autosomal Dominant, Autosomal Recessive and X-Linked Classification Criteria (2023). Collection method: clinical testing. Allele origin: unknown.
Comment: This variant is considered likely benign. This variant is intronic and is not expected to impact mRNA splicing.

Color Diagnostics, LLC DBA Color Health
Classification: Uncertain significance for Hereditary cancer-predisposing syndrome. Last evaluated: 2018-09-14. Review status: criteria provided, single submitter. Criteria: ACMG Guidelines, 2015. Collection method: clinical testing. Allele origin: germline.

NM_000051.4(ATM):c.8787-12G>C

Genes: ATM (ATM serine/threonine kinase; plus strand), C11orf65 (chromosome 11 open reading frame 65; minus strand). Cytogenetic location: 11q22.3.
Variant type: single nucleotide variant.
Coding change: c.8787-12G>C on transcript NM_000051.4 (MANE Select); 12 bases into the intron before coding-DNA position 8787, G replaced by C.
Molecular consequence: intron variant.
Genome position (GRCh38, 1-based): chr11:108,354,799, G>C. VCF-style: chr11-108354799-G-C. GRCh37 (hg19) VCF-style: chr11-108225526-G-C.
Other names: c.8787-12G>C (NM_001351834.2); c.640+31121C>G (NM_001330368.2); c.695-19507C>G (NM_001351110.2).
Identifiers: ClinVar variation 631425 (VCV000631425.8), dbSNP rs1565582204, ClinGen allele CA913188444.
Genomic context (GRCh38, chr11:108,354,799, plus strand): 5'-GTATACAGATAAAGATACGTTGACAACATTGGTGTGTAACAAAATCCGTATTTATAATGT[G>C]TTTGACTCTAGATGCTGTGAGAAAACCATGGAAGTGATGAGAAACTCTCAGGAAACTCTG-3'